The following is an entry in ClinVar:

NM_006031.6(PCNT):c.2214T>C (p.Thr738=)

Gene: PCNT (pericentrin; plus strand). Cytogenetic location: 21q22.3.
Variant type: single nucleotide variant.
Coding change: c.2214T>C on transcript NM_006031.6 (MANE Select); coding-DNA position 2214, T replaced by C.
Protein change: p.Thr738=; no amino-acid change (threonine 738 retained).
Molecular consequence: synonymous variant.
Genome position (GRCh38, 1-based): chr21:46,363,539, T>C. VCF-style: chr21-46363539-T-C. GRCh37 (hg19) VCF-style: chr21-47783454-T-C.
Other names: c.2214T>C (NM_006031.5); c.1860T>C, p.Thr620= (NM_001315529.2).
Identifiers: ClinVar variation 2979378 (VCV002979378.4), dbSNP rs142791157, ClinGen allele CA322003353.

ClinVar aggregate classification (germline): Likely benign. Review status: criteria provided, single submitter (1 of 4 stars). 2 submissions from 2 submitters: Likely benign (1). 1 of the submissions does not count toward it. Last evaluated 2023-11-02.

Conditions:
PCNT-related disorder. Also called: PCNT-related condition.

Allele frequency attached by ClinVar (database versions not stated): TOPMed 0.00002; ESP Exome Variant Server 0.00015.
gnomAD v4.1: 3 of 1,613,958 alleles (0.00019%); highest among the groups gnomAD compares: Non-Finnish European, 0.00025%; no homozygotes.

Submissions (2):

Labcorp Genetics (formerly Invitae), Labcorp
Classification: Likely benign. Last evaluated: 2023-11-02. Review status: criteria provided, single submitter. Criteria: Invitae Variant Classification Sherloc (09022015). Collection method: clinical testing. Allele origin: germline.

PreventionGenetics, part of Exact Sciences
Classification: Likely benign for PCNT-related condition. Last evaluated: 2022-09-21. Review status: no assertion criteria provided. Collection method: clinical testing. Allele origin: germline. Not counted in ClinVar's aggregate classification.
Comment: This variant is classified as likely benign based on ACMG/AMP sequence variant interpretation guidelines (Richards et al. 2015 PMID: 25741868, with internal and published modifications).